The following is an entry in ClinVar:

ClinVar aggregate classification (germline): Uncertain significance. Review status: criteria provided, multiple submitters, no conflicts (2 of 4 stars). 2 submissions from 2 submitters: Uncertain significance (2). Last evaluated 2026-04-14.

Conditions:
Familial intrahepatic cholestasis. Identifiers: Orphanet 284385, MedGen CN296401, MONDO:0017290.
ABCB11-related disorder. Also called: ABCB11-related condition.

gnomAD v4.1: 13 of 1,606,706 alleles (0.00081%); highest among the groups gnomAD compares: East Asian, 0.0022%; no homozygotes.

Submissions (2):

Genomenon, Inc
Classification: Uncertain significance for Familial intrahepatic cholestasis. Last evaluated: 2026-04-14. Review status: criteria provided, single submitter. Criteria: Genomenon Sequence Variant Interpretation Standards - Updated. Collection method: curation. Allele origin: germline. Affected: yes.
Comment: ABCB11 p.Arg387Cys (c.1159C>T) is a missense variant that changes the amino acid at residue 387 from Arginine to Cysteine. This variant has been observed in at least one proband with an ABCB11-related disorder (PMID:32087350). The presence of pathogenic or likely pathogenic missense variant(s) at the same amino acid position indicates that this residue is likely important for protein function. It is absent or not present at a significant frequency in gnomAD. In conclusion, we classify ABCB11 p.Arg387Cys (c.1159C>T) as a variant of uncertain significance.

PreventionGenetics, part of Exact Sciences
Classification: Uncertain significance for ABCB11-related condition. Last evaluated: 2024-12-10. Review status: criteria provided, single submitter. Criteria: ACMG Guidelines, 2015. Collection method: clinical testing. Allele origin: germline.
Comment: The ABCB11 c.1159C>T variant is predicted to result in the amino acid substitution p.Arg387Cys. To our knowledge, this variant has not been reported in the literature. This variant is reported in 0.0018% of alleles in individuals of European (Non-Finnish) descent in gnomAD. At this time, the clinical significance of this variant is uncertain due to the absence of conclusive functional and genetic evidence.

Literature cited by the submitters: PubMed 32087350 (cited by Genomenon, Inc).

NM_003742.4(ABCB11):c.1159C>T (p.Arg387Cys)

Gene: ABCB11 (ATP binding cassette subfamily B member 11; minus strand). Cytogenetic location: 2q31.1.
Variant type: single nucleotide variant.
Coding change: c.1159C>T on transcript NM_003742.4 (MANE Select); coding-DNA position 1159, C replaced by T.
Protein change: p.Arg387Cys; replaces arginine 387 with cysteine.
Molecular consequence: missense variant.
Genome position (GRCh38, 1-based): chr2:168,979,904, G>A on the plus strand (C>T on the coding strand, the complement: ABCB11 is on the minus strand). VCF-style: chr2-168979904-G-A. GRCh37 (hg19) VCF-style: chr2-169836414-G-A.
Other names: c.1159C>T (NM_003742.2); short protein forms R387C.
Identifiers: ClinVar variation 4846156 (VCV004846156.2).